The following is an entry in ClinVar:

NM_024496.4(IRF2BPL):c.346C>T (p.Gln116Ter)

Gene: IRF2BPL (interferon regulatory factor 2 binding protein like; minus strand). Cytogenetic location: 14q24.3.
Variant type: single nucleotide variant.
Coding change: c.346C>T on transcript NM_024496.4 (MANE Select); coding-DNA position 346, C replaced by T.
Protein change: p.Gln116Ter; replaces glutamine 116 with a stop codon.
Molecular consequence: nonsense.
Genome position (GRCh38, 1-based): chr14:77,027,447, G>A on the plus strand (C>T on the coding strand, the complement: IRF2BPL is on the minus strand). VCF-style: chr14-77027447-G-A. GRCh37 (hg19) VCF-style: chr14-77493790-G-A.
Other names: short protein forms Q116*.
Identifiers: ClinVar variation 1801711 (VCV001801711.1), dbSNP rs2503078768, ClinGen allele CA390499820.

ClinVar aggregate classification (germline): Likely pathogenic (1 of 4 stars; one submission).

Conditions:
Spastic paraplegia. Identifiers: MedGen C0037772, HP:0001258.

Submission:

Human Genetics Bochum, Ruhr University Bochum
Classification: Likely pathogenic for Spastic paraplegia. Last evaluated: 2022-02-14. Review status: criteria provided, single submitter. Criteria: ACMG Guidelines, 2015. Collection method: clinical testing. Allele origin: germline. Affected: yes.
Comment: ACMG criteria used to clasify this variant: PVS1, PM2_SUP